The following is an entry in ClinVar:

ClinVar aggregate classification (germline): Uncertain significance (1 of 4 stars; one submission).

Conditions:
Lissencephaly 9 with complex brainstem malformation. Identifiers: Orphanet 572013, MedGen C5193029, MONDO:0032677, OMIM 618325.

Submission:

GeneDx
Classification: Uncertain significance. Last evaluated: 2026-10-01. Review status: criteria provided, single submitter. Criteria: GeneDx Variant Classification Process June 2021. Collection method: clinical testing. Allele origin: germline.
Comment: Not observed at significant frequency in large population cohorts (gnomAD); In silico analysis supports that this missense variant has a deleterious effect on protein structure/function; Has not been previously published as pathogenic or benign to our knowledge

NM_001394062.1(MACF1):c.18890C>T (p.Pro6297Leu)

Gene: MACF1 (microtubule actin crosslinking factor 1; plus strand). Cytogenetic location: 1p34.3.
Variant type: single nucleotide variant.
Coding change: c.18890C>T on transcript NM_001394062.1 (MANE Select); coding-DNA position 18890, C replaced by T.
Protein change: p.Pro6297Leu; replaces proline 6297 with leucine.
Molecular consequence: missense variant.
Genome position (GRCh38, 1-based): chr1:39,442,262, C>T. VCF-style: chr1-39442262-C-T. GRCh37 (hg19) VCF-style: chr1-39907934-C-T.
Other names: c.6968C>T, p.Pro2323Leu (NM_001397473.1); c.12713C>T, p.Pro4238Leu (NM_012090.5); short protein forms P2323L, P4238L, P6297L.
Identifiers: ClinVar variation 3767411 (VCV003767411.3).